The following is an entry in ClinVar:

ClinVar aggregate classification (germline): Benign/Likely benign. Review status: criteria provided, multiple submitters, no conflicts (2 of 4 stars). 3 submissions from 3 submitters: Benign (2); Likely benign (1). Last evaluated 2026-06-01.

Allele frequency attached by ClinVar (database versions not stated): 1000 Genomes Project 30x 0.00203; 1000 Genomes Project 0.00220; ESP Exome Variant Server 0.00498; gnomAD 0.00513 and 0.00568; TOPMed 0.00513; ExAC 0.00826.

Submissions (3):

CeGaT Center for Human Genetics Tuebingen
Classification: Likely benign. Last evaluated: 2026-06-01. Review status: criteria provided, single submitter. Criteria: CeGaT Center For Human Genetics Tuebingen Variant Classification Criteria Version 2. Collection method: clinical testing. Allele origin: germline. Affected: yes. Observed: 9 variant alleles.
Comment: RTL1: BP4, BS2

Labcorp Genetics (formerly Invitae), Labcorp
Classification: Benign. Last evaluated: 2019-12-31. Review status: criteria provided, single submitter. Criteria: Invitae Variant Classification Sherloc (09022015). Collection method: clinical testing. Allele origin: germline.

Breakthrough Genomics
Classification: Benign. Review status: criteria provided, single submitter. Criteria: ACMG Guidelines, 2015. Collection method: not provided. Allele origin: germline. Inheritance: Unknown mechanism. Affected: yes.

NM_001134888.3(RTL1):c.3644G>A (p.Arg1215His)

Gene: RTL1 (retrotransposon Gag like 1; minus strand). Cytogenetic location: 14q32.2.
Variant type: single nucleotide variant.
Coding change: c.3644G>A on transcript NM_001134888.3 (MANE Select); coding-DNA position 3644, G replaced by A.
Protein change: p.Arg1215His; replaces arginine 1215 with histidine.
Molecular consequence: missense variant.
Genome position (GRCh38, 1-based): chr14:100,881,145, C>T on the plus strand (G>A on the coding strand, the complement: RTL1 is on the minus strand). VCF-style: chr14-100881145-C-T. GRCh37 (hg19) VCF-style: chr14-101347482-C-T.
Other names: short protein forms R1215H.
Identifiers: ClinVar variation 783050 (VCV000783050.28), dbSNP rs61993318, ClinGen allele CA7347087.